The following is an entry in ClinVar:

NM_000222.3(KIT):c.1461C>G (p.Gly487=)

Gene: KIT (KIT proto-oncogene, receptor tyrosine kinase; plus strand). Cytogenetic location: 4q12.
Variant type: single nucleotide variant.
Coding change: c.1461C>G on transcript NM_000222.3 (MANE Select); coding-DNA position 1461, C replaced by G.
Protein change: p.Gly487=; no amino-acid change (glycine 487 retained).
Molecular consequence: synonymous variant.
Genome position (GRCh38, 1-based): chr4:54,725,971, C>G. VCF-style: chr4-54725971-C-G. GRCh37 (hg19) VCF-style: chr4-55592137-C-G.
Other names: c.1461C>G, p.Gly487= (NM_001093772.2, NM_001385285.1, NM_001385286.1); c.1464C>G, p.Gly488= (NM_001385284.1, NM_001385288.1, NM_001385290.1 and 1 more transcripts).
Identifiers: ClinVar variation 415794 (VCV000415794.15), dbSNP rs1048122979, ClinGen allele CA16611598.

ClinVar aggregate classification (germline): Benign/Likely benign. Review status: criteria provided, multiple submitters, no conflicts (2 of 4 stars). 3 submissions from 3 submitters: Benign (1); Likely benign (2). Last evaluated 2026-06-03.

Conditions:
Hereditary cancer-predisposing syndrome. Also called: Neoplastic Syndromes, Hereditary; Hereditary Cancer Syndrome; Hereditary neoplastic syndrome; Tumor predisposition. Identifiers: Orphanet 140162, MedGen C0027672, MeSH D009386, MONDO:0015356.
Gastrointestinal stromal tumor. Also called: Gastrointestinal stroma tumor; Gastrointestinal stromal tumor, somatic. Identifiers: Orphanet 44890, MedGen C0238198, MeSH D046152, MONDO:0011719, OMIM 606764, HP:0100723.

Allele frequency attached by ClinVar (database versions not stated): TOPMed below 0.00001; gnomAD exomes 0.00001.
gnomAD v4.1: 13 of 1,614,058 alleles (0.00081%); highest among the groups gnomAD compares: Non-Finnish European, 0.0011%; no homozygotes.

Submissions (3):

Myriad Genetics, Inc.
Classification: Benign for Gastrointestinal stromal tumor. Last evaluated: 2026-06-03. Review status: criteria provided, single submitter. Criteria: Myriad Autosomal Dominant, Autosomal Recessive and X-Linked Classification Criteria (2023). Collection method: clinical testing. Allele origin: unknown.
Comment: This variant is considered benign. This variant is a silent/synonymous amino acid change and it is not expected to impact splicing.

Labcorp Genetics (formerly Invitae), Labcorp
Classification: Likely benign for Gastrointestinal stromal tumor. Last evaluated: 2026-01-28. Review status: criteria provided, single submitter. Criteria: Invitae Variant Classification Sherloc (09022015). Collection method: clinical testing. Allele origin: germline.

Ambry Genetics
Classification: Likely benign for Hereditary cancer-predisposing syndrome. Last evaluated: 2022-05-19. Review status: criteria provided, single submitter. Criteria: Ambry Variant Classification Scheme 2023. Collection method: clinical testing. Allele origin: germline.